The following is an entry in ClinVar:

ClinVar aggregate classification (germline): Benign. Review status: criteria provided, multiple submitters, no conflicts (2 of 4 stars). 3 submissions from 3 submitters: Benign (3). Last evaluated 2026-09-01.

Allele frequency attached by ClinVar (database versions not stated): 1000 Genomes Project 0.00679; 1000 Genomes Project 30x 0.00687; gnomAD 0.00908 and 0.00929; ESP Exome Variant Server 0.00930; ExAC 0.00961; TOPMed 0.00967; gnomAD exomes 0.01062 and 0.01182.
gnomAD v4.1: 18,785 of 1,613,986 alleles (1.2%); highest among the groups gnomAD compares: Middle Eastern, 2.7%; 187 homozygotes.

Submissions (3):

CeGaT Center for Human Genetics Tuebingen
Classification: Benign. Last evaluated: 2026-09-01. Review status: criteria provided, single submitter. Criteria: CeGaT Center For Human Genetics Tuebingen Variant Classification Criteria Version 2. Collection method: clinical testing. Allele origin: germline. Affected: yes. Observed: 40 variant alleles.
Comment: TRPA1: BP4, BS1, BS2

Labcorp Genetics (formerly Invitae), Labcorp
Classification: Benign. Last evaluated: 2019-12-31. Review status: criteria provided, single submitter. Criteria: Invitae Variant Classification Sherloc (09022015). Collection method: clinical testing. Allele origin: germline.

Breakthrough Genomics
Classification: Benign. Review status: criteria provided, single submitter. Criteria: ACMG Guidelines, 2015. Collection method: not provided. Allele origin: germline. Inheritance: Autosomal dominant inheritance. Affected: yes.

NM_007332.3(TRPA1):c.895G>A (p.Val299Met)

Gene: TRPA1 (transient receptor potential cation channel subfamily A member 1; minus strand). Cytogenetic location: 8q21.11.
Variant type: single nucleotide variant.
Coding change: c.895G>A on transcript NM_007332.3 (MANE Select); coding-DNA position 895, G replaced by A.
Protein change: p.Val299Met; replaces valine 299 with methionine.
Molecular consequence: missense variant.
Genome position (GRCh38, 1-based): chr8:72,061,674, C>T on the plus strand (G>A on the coding strand, the complement: TRPA1 is on the minus strand). VCF-style: chr8-72061674-C-T. GRCh37 (hg19) VCF-style: chr8-72973909-C-T.
Other names: short protein forms V299M.
Identifiers: ClinVar variation 770748 (VCV000770748.32), dbSNP rs35703015, ClinGen allele CA4781084.
Genomic context (GRCh38, chr8:72,061,674, plus strand): 5'-AGGAAACTTGCCTGTGAAGCATGGTCTCATGACATCCATCGGTTGTGTTAACAATATCCA[C>T]GCTACCAGAATAGGACGATATCATCAGTTTAACAATCTCAGTGGCTCCCTGGGTGGCAGC-3'
Protein context (NP_015628.2, residues 289-309): KLMISSYSGS[Val299Met]DIVNTTDGCH